The following is an entry in ClinVar:

ClinVar aggregate classification (germline): Benign/Likely benign. Review status: criteria provided, multiple submitters, no conflicts (2 of 4 stars). 12 submissions from 11 submitters: Benign (4); Likely benign (5). 3 of the submissions do not count toward it. Last evaluated 2026-09-01.

Conditions:
Autoinflammatory syndrome. Identifiers: Orphanet 93665, MedGen C3890737, MONDO:0019751.
Blau syndrome (BLAUS). Also called: ARTHROCUTANEOUVEAL GRANULOMATOSIS; GRANULOMATOSIS, FAMILIAL JUVENILE SYSTEMIC; GRANULOMATOSIS, FAMILIAL, BLAU TYPE; GRANULOMATOUS INFLAMMATORY ARTHRITIS, DERMATITIS, AND UVEITIS, FAMILIAL; JABS SYNDROME. Identifiers: Orphanet 90340, MedGen C5201146, MONDO:0008523, OMIM 186580.
Regional enteritis. Also called: Enteritis, Granulomatous. Identifiers: MedGen C0678202, MeSH D003424.
Inflammatory bowel disease 1 (IBD1). Also called: Inflammatory bowel disease 1, Crohn disease; INFLAMMATORY BOWEL DISEASE (CROHN DISEASE) 1. Identifiers: MedGen CN260071, MONDO:0009960, OMIM 266600.

Allele frequency attached by ClinVar (database versions not stated): 1000 Genomes Project 0.00020; 1000 Genomes Project 30x 0.00047; TOPMed 0.00121; ESP Exome Variant Server 0.00139; gnomAD 0.00155 and 0.00157; ExAC 0.00196.
gnomAD v4.1: 3,286 of 1,614,046 alleles (0.2%); highest among the groups gnomAD compares: Non-Finnish European, 0.25%; 3 homozygotes.

Submissions (12):

CeGaT Center for Human Genetics Tuebingen
Classification: Likely benign. Last evaluated: 2026-09-01. Review status: criteria provided, single submitter. Criteria: CeGaT Center For Human Genetics Tuebingen Variant Classification Criteria Version 2. Collection method: clinical testing. Allele origin: germline. Affected: yes. Observed: 5 variant alleles.
Comment: NOD2: BP4, BP7

Women's Health and Genetics/Laboratory Corporation of America, LabCorp
Classification: Benign. Last evaluated: 2026-06-26. Review status: criteria provided, single submitter. Criteria: LabCorp Variant Classification Summary - May 2015. Collection method: clinical testing. Allele origin: germline.

Labcorp Genetics (formerly Invitae), Labcorp
Classification: Benign for Regional enteritis; Blau syndrome. Last evaluated: 2026-01-24. Review status: criteria provided, single submitter. Criteria: Invitae Variant Classification Sherloc (09022015). Collection method: clinical testing. Allele origin: germline.

ARUP Laboratories, Molecular Genetics and Genomics, ARUP Laboratories
Classification: Benign. Last evaluated: 2025-06-20. Review status: criteria provided, single submitter. Criteria: ARUP Molecular Germline Variant Investigation Process 2024. Collection method: clinical testing. Allele origin: germline.

Blueprint Genetics
Classification: Likely benign. Last evaluated: 2024-11-13. Review status: criteria provided, single submitter. Criteria: ACMG Guidelines, 2015. Collection method: clinical testing. Allele origin: germline.

Genome Diagnostics Laboratory, The Hospital for Sick Children
Classification: Likely benign for Autoinflammatory syndrome. Last evaluated: 2021-03-15. Review status: criteria provided, single submitter. Criteria: ACMG Guidelines, 2015. Collection method: clinical testing. Allele origin: germline. Affected: yes.

Illumina Laboratory Services, Illumina
Classification: Benign for Blau syndrome. Last evaluated: 2018-01-12. Review status: criteria provided, single submitter. Criteria: ICSL Variant Classification Criteria 13 December 2019. Collection method: clinical testing. Allele origin: germline.
Comment: This variant was observed in the ICSL laboratory as part of a predisposition screen in an ostensibly healthy population. It had not been previously curated by ICSL or reported in the Human Gene Mutation Database (HGMD: prior to June 1st, 2018), and was therefore a candidate for classification through an automated scoring system. Utilizing variant allele frequency, disease prevalence and penetrance estimates, and inheritance mode, an automated score was calculated to assess if this variant is too frequent to cause the disease. Based on the score and internal cut-off values, a variant classified as benign is not then subjected to further curation. The score for this variant resulted in a classification of benign for this disease.

Illumina Laboratory Services, Illumina
Classification: Likely benign for Inflammatory bowel disease 1. Last evaluated: 2018-01-12. Review status: criteria provided, single submitter. Criteria: ICSL Variant Classification Criteria 13 December 2019. Collection method: clinical testing. Allele origin: germline.
Comment: This variant was observed in the ICSL laboratory as part of a predisposition screen in an ostensibly healthy population. It had not been previously curated by ICSL or reported in the Human Gene Mutation Database (HGMD: prior to June 1st, 2018), and was therefore a candidate for classification through an automated scoring system. Utilizing variant allele frequency, disease prevalence and penetrance estimates, and inheritance mode, an automated score was calculated to assess if this variant is too frequent to cause the disease. Based on the score and internal cut-off values, a variant classified as likely benign is not then subjected to further curation. The score for this variant resulted in a classification of likely benign for this disease.

Breakthrough Genomics
Classification: Likely benign. Review status: criteria provided, single submitter. Criteria: ACMG Guidelines, 2015. Collection method: not provided. Allele origin: germline. Inheritance: Autosomal dominant inheritance. Affected: yes.

Clinical Genetics DNA and cytogenetics Diagnostics Lab, Erasmus MC, Erasmus Medical Center
Classification: Likely benign. Review status: no assertion criteria provided. Collection method: clinical testing. Allele origin: germline. Affected: yes. Study: VKGL Data-share Consensus. Not counted in ClinVar's aggregate classification.

Genome Diagnostics Laboratory, University Medical Center Utrecht
Classification: Benign. Review status: no assertion criteria provided. Collection method: clinical testing. Allele origin: germline. Affected: yes. Study: VKGL Data-share Consensus. Not counted in ClinVar's aggregate classification.

Unité médicale des maladies autoinflammatoires, CHRU Montpellier
No classification provided. Condition: Sarcoidosis, early-onset. Review status: no classification provided. Collection method: not provided. Allele origin: unknown. Not counted in ClinVar's aggregate classification.
Comment: also involved in OMIM 186580 and 266600

NM_001370466.1(NOD2):c.2325G>T (p.Val775=)

Gene: NOD2 (nucleotide binding oligomerization domain containing 2; plus strand). Cytogenetic location: 16q12.1.
Variant type: single nucleotide variant.
Coding change: c.2325G>T on transcript NM_001370466.1 (MANE Select); coding-DNA position 2325, G replaced by T.
Protein change: p.Val775=; no amino-acid change (valine 775 retained).
Molecular consequence: synonymous variant. On other transcripts: non-coding transcript variant (1).
Genome position (GRCh38, 1-based): chr16:50,712,317, G>T. VCF-style: chr16-50712317-G-T. GRCh37 (hg19) VCF-style: chr16-50746228-G-T.
Other names: c.2325G>T, p.Val775= (NM_001293557.2); c.2406G>T, p.Val802= (NM_022162.3); c.2406G>T (LRG_177t1).
Identifiers: ClinVar variation 97852 (VCV000097852.63), dbSNP rs104895495, ClinGen allele CA150268.